The following is an entry in ClinVar:

ClinVar aggregate classification (germline): Uncertain significance. Review status: criteria provided, multiple submitters, no conflicts (2 of 4 stars). 2 submissions from 2 submitters: Uncertain significance (2). Last evaluated 2022-08-21.

Allele frequency attached by ClinVar (database versions not stated): gnomAD exomes 0.00002 and 0.00010.
gnomAD v4.1: 12 of 1,499,356 alleles (0.0008%); highest among the groups gnomAD compares: Admixed American, 0.024%; no homozygotes.

Submissions (2):

Labcorp Genetics (formerly Invitae), Labcorp
Classification: Uncertain significance. Last evaluated: 2022-08-21. Review status: criteria provided, single submitter. Criteria: Invitae Variant Classification Sherloc (09022015). Collection method: clinical testing. Allele origin: germline.
Comment: This sequence change replaces alanine, which is neutral and non-polar, with valine, which is neutral and non-polar, at codon 121 of the LIPT2 protein (p.Ala121Val). The frequency data for this variant in the population databases is considered unreliable, as metrics indicate poor data quality at this position in the gnomAD database. This variant has not been reported in the literature in individuals affected with LIPT2-related conditions. ClinVar contains an entry for this variant (Variation ID: 1463170). Algorithms developed to predict the effect of missense changes on protein structure and function are either unavailable or do not agree on the potential impact of this missense change (SIFT: "Not Available"; PolyPhen-2: "Benign"; Align-GVGD: "Not Available"). In summary, the available evidence is currently insufficient to determine the role of this variant in disease. Therefore, it has been classified as a Variant of Uncertain Significance.

Ambry Genetics
Classification: Uncertain significance. Last evaluated: 2021-10-26. Review status: criteria provided, single submitter. Criteria: Ambry Variant Classification Scheme 2023. Collection method: clinical testing. Allele origin: germline.

NM_001144869.3(LIPT2):c.362C>T (p.Ala121Val)

Gene: LIPT2 (lipoyl(octanoyl) transferase 2; minus strand). Cytogenetic location: 11q13.4.
Variant type: single nucleotide variant.
Coding change: c.362C>T on transcript NM_001144869.3 (MANE Select); coding-DNA position 362, C replaced by T.
Protein change: p.Ala121Val; replaces alanine 121 with valine.
Molecular consequence: missense variant. On other transcripts: intron variant (1).
Genome position (GRCh38, 1-based): chr11:74,493,342, G>A on the plus strand (C>T on the coding strand, the complement: LIPT2 is on the minus strand). VCF-style: chr11-74493342-G-A. GRCh37 (hg19) VCF-style: chr11-74204387-G-A.
Other names: c.362C>T, p.Ala121Val (NM_001329941.2); c.237+125C>T (NM_001329942.2); c.362C>T (NM_001144869.1); short protein forms A121V.
Identifiers: ClinVar variation 1463170 (VCV001463170.4), dbSNP rs1461920320, ClinGen allele CA381976547.